The following is an entry in ClinVar:

ClinVar aggregate classification (germline): Uncertain significance (1 of 4 stars; one submission).

Allele frequency attached by ClinVar (database versions not stated): gnomAD exomes below 0.00001.
gnomAD v4.1: 2 of 1,585,798 alleles (0.00013%); highest among the groups gnomAD compares: Non-Finnish European, 0.00017%; no homozygotes.

Submission:

GeneDx
Classification: Uncertain significance. Last evaluated: 2020-03-10. Review status: criteria provided, single submitter. Criteria: GeneDx Variant Classification Process June 2021. Collection method: clinical testing. Allele origin: germline. Affected: yes.
Comment: Not observed in large population cohorts (Lek et al., 2016); In silico analysis supports that this missense variant has a deleterious effect on protein structure/function; Has not been previously published as pathogenic or benign to our knowledge

NM_000168.6(GLI3):c.3029G>A (p.Arg1010Gln)

Gene: GLI3 (GLI family zinc finger 3; minus strand). Cytogenetic location: 7p14.1.
Variant type: single nucleotide variant.
Coding change: c.3029G>A on transcript NM_000168.6 (MANE Select); coding-DNA position 3029, G replaced by A.
Protein change: p.Arg1010Gln; replaces arginine 1010 with glutamine.
Molecular consequence: missense variant.
Genome position (GRCh38, 1-based): chr7:41,966,044, C>T on the plus strand (G>A on the coding strand, the complement: GLI3 is on the minus strand). VCF-style: chr7-41966044-C-T. GRCh37 (hg19) VCF-style: chr7-42005642-C-T.
Other names: short protein forms R1010Q.
Identifiers: ClinVar variation 1190407 (VCV001190407.2), dbSNP rs1787165767, ClinGen allele CA367319377.
Genomic context (GRCh38, chr7:41,966,044, plus strand): 5'-CAGCTGCTGAGGCTGCTGAAGCGCGGCACACGAGGCAGGGCCAGGCCCTCGGAGCCTGTC[C>T]GCACCGGGTCGCTGGCCCTCCTCACGCCGTGGCCCGGCGCATCGTGCGGCTGCAGGTGGC-3'
Protein context (NP_000159.3, residues 1000-1020): HGVRRASDPV[Arg1010Gln]TGSEGLALPR